The following is an entry in ClinVar:

NM_004393.6(DAG1):c.2512G>A (p.Glu838Lys)

Gene: DAG1 (dystroglycan 1; plus strand). Cytogenetic location: 3p21.31.
Variant type: single nucleotide variant.
Coding change: c.2512G>A on transcript NM_004393.6 (MANE Select); coding-DNA position 2512, G replaced by A.
Protein change: p.Glu838Lys; replaces glutamic acid 838 with lysine.
Molecular consequence: missense variant.
Genome position (GRCh38, 1-based): chr3:49,533,023, G>A. VCF-style: chr3-49533023-G-A. GRCh37 (hg19) VCF-style: chr3-49570456-G-A.
Other names: c.2512G>A, p.Glu838Lys (NM_001177644.3, NM_001165928.4, NM_001177634.3 and 9 more transcripts); short protein forms E838K.
Identifiers: ClinVar variation 656926 (VCV000656926.6), dbSNP rs745846165, ClinGen allele CA2399279.

ClinVar aggregate classification (germline): Uncertain significance (1 of 4 stars; one submission).

Conditions:
Muscular dystrophy-dystroglycanopathy (congenital with brain and eye anomalies), type A9. Also called: WALKER-WARBURG SYNDROME OR MUSCLE-EYE BRAIN DISEASE, DAG1-RELATED; Muscular dystrophy-dystroglycanopathy (congenital with brain and eye anomalies), type a, 9. Identifiers: Orphanet 370997, Orphanet 899, MedGen C4225291, MONDO:0014683, OMIM 616538.
Autosomal recessive limb-girdle muscular dystrophy type 2P. Also called: MUSCULAR DYSTROPHY-DYSTROGLYCANOPATHY, LIMB-GIRDLE, DAG1-RELATED; Limb-Girdle Muscular Dystrophy Type 9C; MUSCULAR DYSTROPHY, LIMB-GIRDLE, TYPE 2P. Identifiers: Orphanet 280333, MedGen C4511963, MONDO:0013440, OMIM 613818.

Allele frequency attached by ClinVar (database versions not stated): gnomAD below 0.00001 and 0.00001; gnomAD exomes below 0.00001; ExAC 0.00001; TOPMed 0.00001.
gnomAD v4.1: 6 of 1,613,902 alleles (0.00037%); highest among the groups gnomAD compares: South Asian, 0.0033%; no homozygotes.

Submission:

Labcorp Genetics (formerly Invitae), Labcorp
Classification: Uncertain significance for Autosomal recessive limb-girdle muscular dystrophy type 2P; Muscular dystrophy-dystroglycanopathy (congenital with brain and eye anomalies), type A9. Last evaluated: 2022-06-04. Review status: criteria provided, single submitter. Criteria: Invitae Variant Classification Sherloc (09022015). Collection method: clinical testing. Allele origin: germline.
Comment: This sequence change replaces glutamic acid, which is acidic and polar, with lysine, which is basic and polar, at codon 838 of the DAG1 protein (p.Glu838Lys). In summary, the available evidence is currently insufficient to determine the role of this variant in disease. Therefore, it has been classified as a Variant of Uncertain Significance. Algorithms developed to predict the effect of missense changes on protein structure and function are either unavailable or do not agree on the potential impact of this missense change (SIFT: "Tolerated"; PolyPhen-2: "Probably Damaging"; Align-GVGD: "Class C0"). ClinVar contains an entry for this variant (Variation ID: 656926). This variant has not been reported in the literature in individuals affected with DAG1-related conditions. This variant is present in population databases (rs745846165, gnomAD 0.003%).